The following is an entry in ClinVar:

NM_032888.4(COL27A1):c.769C>T (p.Pro257Ser)

Gene: COL27A1 (collagen type XXVII alpha 1 chain; plus strand). Cytogenetic location: 9q32.
Variant type: single nucleotide variant.
Coding change: c.769C>T on transcript NM_032888.4 (MANE Select); coding-DNA position 769, C replaced by T.
Protein change: p.Pro257Ser; replaces proline 257 with serine.
Molecular consequence: missense variant.
Genome position (GRCh38, 1-based): chr9:114,168,324, C>T. VCF-style: chr9-114168324-C-T. GRCh37 (hg19) VCF-style: chr9-116930604-C-T.
Other names: short protein forms P257S.
Identifiers: ClinVar variation 1984813 (VCV001984813.5), dbSNP rs2490559181, ClinGen allele CA374592143.

ClinVar aggregate classification (germline): Uncertain significance. Review status: criteria provided, multiple submitters, no conflicts (2 of 4 stars). 2 submissions from 2 submitters: Uncertain significance (2). Last evaluated 2022-11-18.

Conditions:
Inborn genetic diseases. Identifiers: MedGen C0950123, MeSH D030342.

Allele frequency attached by ClinVar (database versions not stated): gnomAD exomes below 0.00001.

Submissions (2):

Ambry Genetics
Classification: Uncertain significance for Inborn genetic diseases. Last evaluated: 2022-11-18. Review status: criteria provided, single submitter. Criteria: Ambry Variant Classification Scheme 2023. Collection method: clinical testing. Allele origin: germline.

Labcorp Genetics (formerly Invitae), Labcorp
Classification: Uncertain significance. Last evaluated: 2022-06-18. Review status: criteria provided, single submitter. Criteria: Invitae Variant Classification Sherloc (09022015). Collection method: clinical testing. Allele origin: germline.
Comment: In summary, the available evidence is currently insufficient to determine the role of this variant in disease. Therefore, it has been classified as a Variant of Uncertain Significance. Advanced modeling of protein sequence and biophysical properties (such as structural, functional, and spatial information, amino acid conservation, physicochemical variation, residue mobility, and thermodynamic stability) performed at Invitae indicates that this missense variant is not expected to disrupt COL27A1 protein function. This variant has not been reported in the literature in individuals affected with COL27A1-related conditions. This variant is not present in population databases (gnomAD no frequency). This sequence change replaces proline, which is neutral and non-polar, with serine, which is neutral and polar, at codon 257 of the COL27A1 protein (p.Pro257Ser).